The following is an entry in ClinVar:

NM_032314.4(COQ5):c.352+8C>T

Gene: COQ5 (coenzyme Q5, methyltransferase; minus strand). Cytogenetic location: 12q24.31.
Variant type: single nucleotide variant.
Coding change: c.352+8C>T on transcript NM_032314.4 (MANE Select); 8 bases into the intron after coding-DNA position 352, C replaced by T.
Molecular consequence: intron variant.
Genome position (GRCh38, 1-based): chr12:120,522,206, G>A on the plus strand (C>T on the coding strand, the complement: COQ5 is on the minus strand). VCF-style: chr12-120522206-G-A. GRCh37 (hg19) VCF-style: chr12-120960009-G-A.
Identifiers: ClinVar variation 3035335 (VCV003035335.2), dbSNP rs138814195, ClinGen allele CA6828852.
Genomic context (GRCh38, chr12:120,522,206, plus strand): 5'-ATTACAAGAGAGACTAATTTCTGTAAAACATGCTCAATGGTAGTGAAGGATACCAAACTC[G>A]ACATTACCTGTGCCTCCAGCAACATCAAGCAGCTGGGTCCCAGGAAGCGGGTGCATCTTC-3'

ClinVar aggregate classification (germline): Likely benign (0 of 4 stars; one submission).

Conditions:
COQ5-related disorder. Also called: COQ5-related condition.

Allele frequency attached by ClinVar (database versions not stated): ESP Exome Variant Server 0.00038.
gnomAD v4.1: 539 of 1,613,876 alleles (0.033%); highest among the groups gnomAD compares: Non-Finnish European, 0.043%; no homozygotes.

Submission:

PreventionGenetics, part of Exact Sciences
Classification: Likely benign for COQ5-related condition. Last evaluated: 2020-01-14. Review status: no assertion criteria provided. Collection method: clinical testing. Allele origin: germline.
Comment: This variant is classified as likely benign based on ACMG/AMP sequence variant interpretation guidelines (Richards et al. 2015 PMID: 25741868, with internal and published modifications).